The following is an entry in ClinVar:

NM_031407.7(HUWE1):c.8105C>T (p.Thr2702Ile)

Gene: HUWE1 (HECT, UBA and WWE domain containing E3 ubiquitin protein ligase 1; minus strand). Cytogenetic location: Xp11.22.
Variant type: single nucleotide variant.
Coding change: c.8105C>T on transcript NM_031407.7 (MANE Select); coding-DNA position 8105, C replaced by T.
Protein change: p.Thr2702Ile; replaces threonine 2702 with isoleucine.
Molecular consequence: missense variant.
Genome position (GRCh38, 1-based): chrX:53,558,710, G>A on the plus strand (C>T on the coding strand, the complement: HUWE1 is on the minus strand). VCF-style: chrX-53558710-G-A. GRCh37 (hg19) VCF-style: chrX-53585671-G-A.
Other names: short protein forms T2702I.
Identifiers: ClinVar variation 2577686 (VCV002577686.2), dbSNP rs2523815499, ClinGen allele CA413152419.
Genomic context (GRCh38, chrX:53,558,710, plus strand): 5'-ATCACCTGTGCACTCTGATCCCTGTTCTCCTTATCTTCTTTGCCTTTATCAGTTATCTTT[G>A]TTTCTTCCTCAGCCAGTTGTTTCCTGCGCTTCTCTCGCCTTTCTTCCAGCTCCTCATCCC-3'
Protein context (NP_113584.3, residues 2692-2712): KRRKQLAEEE[Thr2702Ile]KITDKGKEDK

ClinVar aggregate classification (germline): Uncertain significance (1 of 4 stars; one submission).

Submission:

GeneDx
Classification: Uncertain significance. Last evaluated: 2025-07-23. Review status: criteria provided, single submitter. Criteria: GeneDx Variant Classification Process June 2021. Collection method: clinical testing. Allele origin: germline.
Comment: Not observed at significant frequency in large population cohorts (gnomAD); In silico analysis supports that this missense variant does not alter protein structure/function; Has not been previously published as pathogenic or benign to our knowledge